The following is an entry in ClinVar:

NM_003114.5(SPAG1):c.2533C>G (p.Leu845Val)

Gene: SPAG1 (sperm associated antigen 1; plus strand). Cytogenetic location: 8q22.2.
Variant type: single nucleotide variant.
Coding change: c.2533C>G on transcript NM_003114.5 (MANE Select); coding-DNA position 2533, C replaced by G.
Protein change: p.Leu845Val; replaces leucine 845 with valine.
Molecular consequence: missense variant.
Genome position (GRCh38, 1-based): chr8:100,240,655, C>G. VCF-style: chr8-100240655-C-G. GRCh37 (hg19) VCF-style: chr8-101252883-C-G.
Other names: c.2533C>G, p.Leu845Val (NM_001374321.1, NM_172218.3); short protein forms L845V.
Identifiers: ClinVar variation 1046735 (VCV001046735.8), dbSNP rs778546131, ClinGen allele CA4827768.

ClinVar aggregate classification (germline): Uncertain significance (1 of 4 stars; one submission).

Conditions:
Primary ciliary dyskinesia 28. Also called: CILIARY DYSKINESIA, PRIMARY, 28, WITH OR WITHOUT SITUS INVERSUS. Identifiers: Orphanet 244, MedGen C3809706, MONDO:0014216, OMIM 615505.

Allele frequency attached by ClinVar (database versions not stated): TOPMed below 0.00001; gnomAD exomes 0.00001 and 0.00003; ExAC 0.00003; gnomAD 0.00003.
gnomAD v4.1: 11 of 1,614,020 alleles (0.00068%); highest among the groups gnomAD compares: Non-Finnish European, 0.00034%; no homozygotes.

Submission:

Labcorp Genetics (formerly Invitae), Labcorp
Classification: Uncertain significance for Primary ciliary dyskinesia 28. Last evaluated: 2022-07-19. Review status: criteria provided, single submitter. Criteria: Invitae Variant Classification Sherloc (09022015). Collection method: clinical testing. Allele origin: germline.
Comment: In summary, the available evidence is currently insufficient to determine the role of this variant in disease. Therefore, it has been classified as a Variant of Uncertain Significance. Algorithms developed to predict the effect of missense changes on protein structure and function are either unavailable or do not agree on the potential impact of this missense change (SIFT: "Deleterious"; PolyPhen-2: "Probably Damaging"; Align-GVGD: "Class C0"). This sequence change replaces leucine, which is neutral and non-polar, with valine, which is neutral and non-polar, at codon 845 of the SPAG1 protein (p.Leu845Val). This variant is present in population databases (rs778546131, gnomAD 0.01%). This variant has not been reported in the literature in individuals affected with SPAG1-related conditions. ClinVar contains an entry for this variant (Variation ID: 1046735).